The following is an entry in ClinVar:

ClinVar aggregate classification (germline): Uncertain significance (1 of 4 stars; one submission).

Submission:

Mayo Clinic Laboratories, Mayo Clinic
Classification: Uncertain significance. Last evaluated: 2024-06-24. Review status: criteria provided, single submitter. Criteria: ACMG Guidelines, 2015. Collection method: clinical testing. Allele origin: germline. Observed: 1 variant allele.
Comment: PP3, PM2

NM_004715.5(CTDP1):c.772+5G>A

Gene: CTDP1 (CTD phosphatase subunit 1; plus strand). Cytogenetic location: 18q23.
Variant type: single nucleotide variant.
Coding change: c.772+5G>A on transcript NM_004715.5 (MANE Select); 5 bases into the intron after coding-DNA position 772, G replaced by A.
Molecular consequence: intron variant.
Genome position (GRCh38, 1-based): chr18:79,704,922, G>A. VCF-style: chr18-79704922-G-A. GRCh37 (hg19) VCF-style: chr18-77464922-G-A.
Other names: c.772+5G>A (NM_001318511.2, NM_048368.4); c.415+5G>A (NM_001202504.1).
Identifiers: ClinVar variation 3380548 (VCV003380548.1).